The following is an entry in ClinVar:

NC_000021.8:g.(?_47532747)_(47533970_?)del

Gene: COL6A2 (collagen type VI alpha 2 chain; plus strand). Cytogenetic location: 21q22.3.
Variant type: Deletion.
Identifiers: ClinVar variation 3248174 (VCV003248174.1).

ClinVar aggregate classification (germline): Likely pathogenic (1 of 4 stars; one submission).

Conditions:
Bethlem myopathy 1A. Also called: MYOPATHY, BENIGN CONGENITAL, WITH CONTRACTURES; Bethlem myopathy 1; Bethlem Muscular Dystrophy. Identifiers: Orphanet 610, MedGen CN029274, MONDO:0024530, OMIM 158810.

Submission:

Labcorp Genetics (formerly Invitae), Labcorp
Classification: Likely pathogenic for Bethlem myopathy 1A. Last evaluated: 2018-11-01. Review status: criteria provided, single submitter. Criteria: Invitae Variant Classification Sherloc (09022015). Collection method: clinical testing. Allele origin: unknown.
Comment: Loss-of-function variants in COL6A2 are known to be pathogenic (PMID: 19884007, 20976770). In summary, the currently available evidence indicates that the variant is pathogenic, but additional data are needed to prove that conclusively. Therefore, this variant has been classified as Likely Pathogenic. This variant has not been reported in the literature in individuals with COL6A2-related disease. This variant is a deletion of the genomic region encompassing part of exon 5 (c.735+9_784del) of the COL6A2 gene. It is expected to disrupt RNA splicing and likely results in an absent or disrupted protein product.

Literature cited by the submitters: PubMed 19884007; PubMed 20976770.